The following is an entry in ClinVar:

NM_025074.7(FRAS1):c.8248A>G (p.Met2750Val)

Gene: FRAS1 (Fraser extracellular matrix complex subunit 1; plus strand). Cytogenetic location: 4q21.21.
Variant type: single nucleotide variant.
Coding change: c.8248A>G on transcript NM_025074.7 (MANE Select); coding-DNA position 8248, A replaced by G.
Protein change: p.Met2750Val; replaces methionine 2750 with valine.
Molecular consequence: missense variant.
Genome position (GRCh38, 1-based): chr4:78,479,523, A>G. VCF-style: chr4-78479523-A-G. GRCh37 (hg19) VCF-style: chr4-79400677-A-G.
Other names: short protein forms M2750V.
Identifiers: ClinVar variation 1932202 (VCV001932202.4), dbSNP rs529505020, ClinGen allele CA2978316.

ClinVar aggregate classification (germline): Uncertain significance (1 of 4 stars; one submission).

Allele frequency attached by ClinVar (database versions not stated): gnomAD 0.00001; ExAC 0.00002; 1000 Genomes Project 30x 0.00016; 1000 Genomes Project 0.00020.
gnomAD v4.1: 11 of 1,613,968 alleles (0.00068%); highest among the groups gnomAD compares: South Asian, 0.0066%; no homozygotes.

Submission:

Labcorp Genetics (formerly Invitae), Labcorp
Classification: Uncertain significance. Last evaluated: 2024-06-03. Review status: criteria provided, single submitter. Criteria: Invitae Variant Classification Sherloc (09022015). Collection method: clinical testing. Allele origin: germline.
Comment: This sequence change replaces methionine, which is neutral and non-polar, with valine, which is neutral and non-polar, at codon 2750 of the FRAS1 protein (p.Met2750Val). This variant is present in population databases (rs529505020, gnomAD 0.01%). This variant has not been reported in the literature in individuals affected with FRAS1-related conditions. ClinVar contains an entry for this variant (Variation ID: 1932202). Algorithms developed to predict the effect of missense changes on protein structure and function output the following: SIFT: "Not Available"; PolyPhen-2: "Benign"; Align-GVGD: "Not Available". The valine amino acid residue is found in multiple mammalian species, which suggests that this missense change does not adversely affect protein function. In summary, the available evidence is currently insufficient to determine the role of this variant in disease. Therefore, it has been classified as a Variant of Uncertain Significance.